The following is an entry in ClinVar:

NM_144687.4(NLRP12):c.526C>T (p.Leu176Phe)

Gene: NLRP12 (NLR family pyrin domain containing 12; minus strand). Cytogenetic location: 19q13.42.
Variant type: single nucleotide variant.
Coding change: c.526C>T on transcript NM_144687.4 (MANE Select); coding-DNA position 526, C replaced by T.
Protein change: p.Leu176Phe; replaces leucine 176 with phenylalanine.
Molecular consequence: missense variant.
Genome position (GRCh38, 1-based): chr19:53,811,133, G>A on the plus strand (C>T on the coding strand, the complement: NLRP12 is on the minus strand). VCF-style: chr19-53811133-G-A. GRCh37 (hg19) VCF-style: chr19-54314387-G-A.
Other names: c.526C>T, p.Leu176Phe (NM_001277126.2, NM_001277129.1); short protein forms L176F.
Identifiers: ClinVar variation 649033 (VCV000649033.8), dbSNP rs777079738, ClinGen allele CA9639686.
Genomic context (GRCh38, chr19:53,811,133, plus strand): 5'-TCTTGATGGGGCTAGCCTGGTGTCCCACGGTCCTCGCGTGTCCCCGGCCTGTGTCCAGAA[G>A]CTGCTGCTGGACCTGCATGGGGTTTGAGTGCTCCTTCACCAGCAGGAGCCGGGTGTACCG-3'
Protein context (NP_653288.1, residues 166-186): HSNPMQVQQQ[Leu176Phe]LDTGRGHART

ClinVar aggregate classification (germline): Uncertain significance (1 of 4 stars; one submission).

Conditions:
Familial cold autoinflammatory syndrome 2 (FCAS2). Identifiers: Orphanet 247868, MedGen C2673198, MONDO:0012724, OMIM 611762.

Allele frequency attached by ClinVar (database versions not stated): gnomAD exomes below 0.00001; ExAC 0.00001.
gnomAD v4.1: 16 of 1,614,106 alleles (0.00099%); highest among the groups gnomAD compares: South Asian, 0.015%; no homozygotes.

Submission:

Labcorp Genetics (formerly Invitae), Labcorp
Classification: Uncertain significance for Familial cold autoinflammatory syndrome 2. Last evaluated: 2024-02-28. Review status: criteria provided, single submitter. Criteria: Invitae Variant Classification Sherloc (09022015). Collection method: clinical testing. Allele origin: germline.
Comment: This sequence change replaces leucine, which is neutral and non-polar, with phenylalanine, which is neutral and non-polar, at codon 176 of the NLRP12 protein (p.Leu176Phe). This variant is present in population databases (rs777079738, gnomAD 0.003%). This variant has not been reported in the literature in individuals affected with NLRP12-related conditions. ClinVar contains an entry for this variant (Variation ID: 649033). An algorithm developed to predict the effect of missense changes on protein structure and function (PolyPhen-2) suggests that this variant is likely to be tolerated. In summary, the available evidence is currently insufficient to determine the role of this variant in disease. Therefore, it has been classified as a Variant of Uncertain Significance.